The following is an entry in ClinVar:

ClinVar aggregate classification (germline): Uncertain significance (1 of 4 stars; one submission).

Allele frequency attached by ClinVar (database versions not stated): ExAC 0.00001; gnomAD 0.00001; gnomAD exomes 0.00001; TOPMed 0.00001.
gnomAD v4.1: 7 of 1,607,782 alleles (0.00044%); highest among the groups gnomAD compares: East Asian, 0.0045%; no homozygotes.

Submission:

Labcorp Genetics (formerly Invitae), Labcorp
Classification: Uncertain significance. Last evaluated: 2024-12-10. Review status: criteria provided, single submitter. Criteria: Invitae Variant Classification Sherloc (09022015). Collection method: clinical testing. Allele origin: germline.
Comment: This sequence change replaces proline, which is neutral and non-polar, with serine, which is neutral and polar, at codon 1294 of the VCAN protein (p.Pro1294Ser). This variant is present in population databases (rs746254017, gnomAD 0.02%). This variant has not been reported in the literature in individuals affected with VCAN-related conditions. ClinVar contains an entry for this variant (Variation ID: 2985149). An algorithm developed to predict the effect of missense changes on protein structure and function outputs the following: PolyPhen-2: "Benign". The serine amino acid residue is found in multiple mammalian species, which suggests that this missense change does not adversely affect protein function. In summary, the available evidence is currently insufficient to determine the role of this variant in disease. Therefore, it has been classified as a Variant of Uncertain Significance.

NM_004385.5(VCAN):c.3880C>T (p.Pro1294Ser)

Gene: VCAN (versican; plus strand). Cytogenetic location: 5q14.3.
Variant type: single nucleotide variant.
Coding change: c.3880C>T on transcript NM_004385.5 (MANE Select); coding-DNA position 3880, C replaced by T.
Protein change: p.Pro1294Ser; replaces proline 1294 with serine.
Molecular consequence: missense variant. On other transcripts: intron variant (2).
Genome position (GRCh38, 1-based): chr5:83,522,186, C>T. VCF-style: chr5-83522186-C-T. GRCh37 (hg19) VCF-style: chr5-82818005-C-T.
Other names: c.3880C>T, p.Pro1294Ser (NM_001164098.2); c.1042+9790C>T (NM_001164097.2, NM_001126336.3); short protein forms P1294S.
Identifiers: ClinVar variation 2985149 (VCV002985149.3), dbSNP rs746254017, ClinGen allele CA3333073.